The following is an entry in ClinVar:

ClinVar aggregate classification (germline): Conflicting classifications of pathogenicity. Review status: criteria provided, conflicting classifications (1 of 4 stars). 6 submissions from 6 submitters: Pathogenic (2); Uncertain significance (1). 3 of the submissions do not count toward it. Last evaluated 2025-01-13.

Conditions:
DNMT3A-related disorder. Also called: DNMT3A-related disorders; DNMT3A-related condition.
Tatton-Brown-Rahman overgrowth syndrome. Also called: Tall stature-intellectual disability-facial dysmorphism syndrome; Tatton-Brown-Rahman syndrome. Identifiers: Orphanet 404443, MedGen C4014545, MONDO:0014382, OMIM 615879.
Myeloproliferative disorder. Also called: Myeloproliferative disease. Identifiers: MedGen C0027022, MeSH D009196, HP:0005547.
Malignant lymphoma, large B-cell, diffuse. Also called: Diffuse large B cell lymphoma. Identifiers: Orphanet 544, MedGen C0079744, MeSH D016403, MONDO:0018905.

Allele frequency attached by ClinVar (database versions not stated): ESP Exome Variant Server 0.00015.
gnomAD v4.1: 47 of 1,611,786 alleles (0.0029%); highest among the groups gnomAD compares: Admixed American, 0.005%; no homozygotes.

Submissions (6):

GeneDx
Classification: Pathogenic. Last evaluated: 2025-01-13. Review status: criteria provided, single submitter. Criteria: GeneDx Variant Classification Process June 2021. Collection method: clinical testing. Allele origin: germline. Affected: yes.
Comment: Identified in a patient with Hodgkin lymphoma and a diagnosis of DNMT3A overgrowth syndrome, however, segregation, testing methodology, and additional clinical information were not provided (PMID: 34788385); Also identified in at least one patient with autism (PMID: 31332282), and reported in multiple patients with acute myeloid leukemia, including as a somatic variant; however, specific clinical information and/or presence of other possible variants were not provided in these reports (PMID: 21993668, 25964253, 31861499); In silico analysis supports that this missense variant has a deleterious effect on protein structure/function; This variant is associated with the following publications: (PMID: 35982160, 35982159, 25964253, 31861499, 31785789, 31981491, 32581362, 25363760, 33238114, 34315901, 31974359, 35191116, 31988276, 32512379, 36353970, 32269971, 33832284, 36657266, 36013314, 21993668, 29900417, 30478443, 34788385, 31332282, 36066546)

Mendelics
Classification: Uncertain significance. Last evaluated: 2024-06-25. Review status: criteria provided, single submitter. Criteria: Mendelics Assertion Criteria 2019. Collection method: clinical testing. Allele origin: germline.
Comment: This variant has been identified in an individual reported to have TBRS however without further clinical or segregation data (PubMed 34788385). It has also been reported as a de novo event in an individual from a cohort with autism spectrum disorder but without detailed clinical delineation (PubMed 25363760). In vitro studies demonstrate reduced methyltransferase activity and blocked mCA accumulation in mouse cortical neurons for this mutant (PubMed 33238114). This variant is present in heterozygosity in 29 out of 778790 alleles in population databases (gnomAD v4.0.1 non-UKB) which is higher than expected for an autosomal dominant neurodevelopmental disorder, although population data might be unreliable for this gene. Therefore, even though there is some evidence to suggest that this variant might be associated with neurodevelopmental phenotypes, it is still limited and for that reason we interpret it as a variant of uncertain significance.

Victorian Clinical Genetics Services, Murdoch Childrens Research Institute
Classification: Pathogenic for Tatton-Brown-Rahman overgrowth syndrome. Last evaluated: 2022-02-02. Review status: criteria provided, single submitter. Criteria: ACMG Guidelines, 2015. Collection method: clinical testing. Allele origin: germline. Inheritance: Autosomal dominant inheritance. Affected: yes.
Comment: Based on the classification scheme VCGS_Germline_v1.3.4, this variant is classified as Pathogenic. Following criteria are met: 0103 - Loss of function and gain of function are known mechanisms of disease in this gene and are associated with disease. Loss of function has been associated with Tatton-Brown-Rahman syndrome (MIM#615879) while gain of function has been associated with Heyn-Sproul-Jackson syndrome (MIM#618724) and demonstrated for two missense variants (PMID: 30478443). (I) 0107 - This gene is associated with autosomal dominant disease. (I) 0200 - Variant is predicted to result in a missense amino acid change from tyrosine to cysteine. (I) 0251 - This variant is heterozygous. (I) 0302 - Variant is present in gnomAD <0.001 for a dominant condition (v2: 10 heterozygotes, 0 homozygotes). (SP) 0309 - An alternative amino acid change at the same position has been observed in gnomAD (v3: 4 heterozygotes, 0 homozygotes). (I) 0501 - Missense variant consistently predicted to be damaging by multiple in silico tools or highly conserved with a major amino acid change. (SP) 0600 - Variant is located in the annotated SAM-dependent MTase domain (Uniprot). (I) 0704 - Another missense variant comparable to the one identified in this case has limited previous evidence for pathogenicity. p.(Tyr735Ser) has been reported in an individual with Tatton-Brown-Rahman syndrome (MIM#615879) (PMID: 29900417). (SP) 0802 - This variant has moderate previous evidence of pathogenicity in unrelated individuals. It has been reported in at least two individuals described to have autism spectrum disorder and overgrowth syndrome with Hodgkin Lymphoma, one of which was proven to be a de novo event (PMID: 25363760, 34315901). (SP) 0906 - Segregation evidence for this variant is inconclusive. (I) 1002 - This variant has moderate functional evidence supporting abnormal protein function. In vitro assays demonstrated a reduction in methylase activities, which was further supported by its ability to prevent build-up of methylated CA sites in embryonic mice neuronal cells (PMID: 33238114). (I) Legend: (SP) - Supporting pathogenic, (I) - Information, (SB) - Supporting benign

PreventionGenetics, part of Exact Sciences
Classification: Likely pathogenic for DNMT3A-related condition. Last evaluated: 2024-04-20. Review status: no assertion criteria provided. Collection method: clinical testing. Allele origin: germline. Not counted in ClinVar's aggregate classification.
Comment: The DNMT3A c.2204A>G variant is predicted to result in the amino acid substitution p.Tyr735Cys. This variant has been reported in multiple individuals with Hodgkin lymphoma (Table 1, Ferris et al. 2022. PubMed ID: 34788385). This variant has also been reported in multiple individuals with autism spectrum disorder (Table S3, de novo, De Rubeis et al. 2014. PubMed ID: 25363760; Supplementary data 1, Zhou et al. 2022. PubMed ID: 35982159). An alternate nucleotide substitution affecting the same amino acid (p.Tyr735Ser) has been reported in multiple individuals with Tatton-Brown-Rahman syndrome and acute myeloid leukemia (Table 1, de novo, Tatton-Brown et al. 2018. PubMed ID: 29900417; Table 1, Ferris et al. 2022. PubMed ID: 34788385). This variant is reported in 0.0098% of alleles in individuals of Ashkenazi Jewish descent in gnomAD and it has been classified as uncertain, likely pathogenic, and pathogenic by other institutions in the ClinVar database. Taken together, we interpret c.2204A>G (p.Tyr735Cys) as likely pathogenic.

Department Of Pathology & Laboratory Medicine, University Of Pennsylvania
Classification: Pathogenic for Malignant lymphoma, large B-cell, diffuse. Last evaluated: 2023-12-04. Review status: no assertion criteria provided. Collection method: clinical testing. Allele origin: somatic. Affected: yes. Observed: 1 variant allele. Not counted in ClinVar's aggregate classification.
Comment: Pre-therapy specimen.

NIHR Bioresource Rare Diseases, University of Cambridge
Classification: Likely pathogenic for Myeloproliferative disorder. Review status: no assertion criteria provided. Collection method: research. Allele origin: unknown. Affected: yes. Observed: 1 variant allele. Not counted in ClinVar's aggregate classification.

Literature cited by the submitters: PubMed 25363760 (cited by Victorian Clinical Genetics Services, Murdoch Childrens Research Institute); PubMed 29900417 (cited by Victorian Clinical Genetics Services, Murdoch Childrens Research Institute); PubMed 30478443 (cited by Victorian Clinical Genetics Services, Murdoch Childrens Research Institute); PubMed 33238114 (cited by Victorian Clinical Genetics Services, Murdoch Childrens Research Institute); PubMed 34315901 (cited by Victorian Clinical Genetics Services, Murdoch Childrens Research Institute); PubMed 32581362 (cited by NIHR Bioresource Rare Diseases, University of Cambridge).

NM_022552.5(DNMT3A):c.2204A>G (p.Tyr735Cys)

Gene: DNMT3A (DNA methyltransferase 3 alpha; minus strand). Cytogenetic location: 2p23.3.
Variant type: single nucleotide variant.
Coding change: c.2204A>G on transcript NM_022552.5 (MANE Select); coding-DNA position 2204, A replaced by G.
Protein change: p.Tyr735Cys; replaces tyrosine 735 with cysteine.
Molecular consequence: missense variant. On other transcripts: non-coding transcript variant (1).
Genome position (GRCh38, 1-based): chr2:25,240,420, T>C on the plus strand (A>G on the coding strand, the complement: DNMT3A is on the minus strand). VCF-style: chr2-25240420-T-C. GRCh37 (hg19) VCF-style: chr2-25463289-T-C.
Other names: c.1748A>G, p.Tyr583Cys (NM_001320893.1); c.1535A>G, p.Tyr512Cys (NM_001375819.1); c.1637A>G, p.Tyr546Cys (NM_153759.3); c.2204A>G, p.Tyr735Cys (NM_175629.2); short protein forms Y512C, Y546C, Y583C, Y735C.
Identifiers: ClinVar variation 812892 (VCV000812892.12), dbSNP rs147828672, ClinGen allele CA1555703.
Genomic context (GRCh38, chr2:25,240,420, plus strand): 5'-AAGAGCCAGAAGAAGGGGCGATCATCTCCCTCCTTGGGCCGCGCATCATGCAGGAGGCGG[T>C]AGAACTCAAAGAAGAGCCGGCCAGTGCCCTCTGAGAGGTCGGAAGAGAAAGCCATCAGCT-3'
Protein context (NP_072046.2, residues 725-745): EGTGRLFFEF[Tyr735Cys]RLLHDARPKE